The following is an entry in ClinVar:

NM_206933.4(USH2A):c.3552G>T (p.Leu1184Phe)

Genes: USH2A (usherin; minus strand), USH2A-AS1 (USH2A antisense RNA 1; plus strand). Cytogenetic location: 1q41.
Variant type: single nucleotide variant.
Coding change: c.3552G>T on transcript NM_206933.4 (MANE Select); coding-DNA position 3552, G replaced by T.
Protein change: p.Leu1184Phe; replaces leucine 1184 with phenylalanine.
Molecular consequence: missense variant.
Genome position (GRCh38, 1-based): chr1:216,199,886, C>A on the plus strand (G>T on the coding strand, the complement: USH2A is on the minus strand). VCF-style: chr1-216199886-C-A. GRCh37 (hg19) VCF-style: chr1-216373228-C-A.
Other names: c.3552G>T, p.Leu1184Phe (NM_007123.6); short protein forms L1184F.
Identifiers: ClinVar variation 3769532 (VCV003769532.2).
Genomic context (GRCh38, chr1:216,199,886, plus strand): 5'-TGAGGTTTCATGACCTTCGTAGGAAACACATGGCTGACCACCAGCCAAAGGGGCACAGGA[C>A]AAAATATATTTCTCTATGGGACCAGATTGATTTGAGAGTGTTGTCCAGGTAAGTGTCACA-3'
Protein context (NP_996816.3, residues 1174-1194): NQSGPIEKYI[Leu1184Phe]SCAPLAGGQP

ClinVar aggregate classification (germline): Uncertain significance (1 of 4 stars; one submission).

gnomAD v4.1: 21 of 1,613,996 alleles (0.0013%); highest among the groups gnomAD compares: Non-Finnish European, 0.0017%; no homozygotes.

Submission:

Women's Health and Genetics/Laboratory Corporation of America, LabCorp
Classification: Uncertain significance. Last evaluated: 2025-01-30. Review status: criteria provided, single submitter. Criteria: LabCorp Variant Classification Summary - May 2015. Collection method: clinical testing. Allele origin: germline.
Comment: Variant summary: USH2A c.3552G>T (p.Leu1184Phe) results in a non-conservative amino acid change in the encoded protein sequence. Four of five in-silico tools predict a damaging effect of the variant on protein function. The variant allele was found at a frequency of 8e-06 in 250994 control chromosomes (gnomAD). The available data on variant occurrences in the general population are insufficient to allow any conclusion about variant significance. c.3552G>T has been reported in the literature in one individual affected with inherited retinal degeneration (Zampaglione_2020). These report does not provide unequivocal conclusions about association of the variant with Usher Syndrome. To our knowledge, no experimental evidence demonstrating an impact on protein function has been reported. The following publication have been ascertained in the context of this evaluation (PMID: 32037395). No submitters have cited clinical-significance assessments for this variant to ClinVar. Based on the evidence outlined above, the variant was classified as uncertain significance.

Literature cited by the submitters: PubMed 32037395.